The following is an entry in ClinVar:

NM_000059.4(BRCA2):c.2956A>G (p.Asn986Asp)

Gene: BRCA2 (BRCA2 DNA repair associated; plus strand). Cytogenetic location: 13q13.1.
Variant type: single nucleotide variant.
Coding change: c.2956A>G on transcript NM_000059.4 (MANE Select); coding-DNA position 2956, A replaced by G.
Protein change: p.Asn986Asp; replaces asparagine 986 with aspartic acid.
Molecular consequence: missense variant.
Genome position (GRCh38, 1-based): chr13:32,337,311, A>G. VCF-style: chr13-32337311-A-G. GRCh37 (hg19) VCF-style: chr13-32911448-A-G.
Other names: short protein forms N986D.
Identifiers: ClinVar variation 661211 (VCV000661211.12), dbSNP rs760142268, ClinGen allele CA6940649.

ClinVar aggregate classification (germline): Conflicting classifications of pathogenicity. Review status: criteria provided, conflicting classifications (1 of 4 stars). 4 submissions from 4 submitters: Uncertain significance (3); Likely benign (1). Last evaluated 2025-05-27.

Conditions:
Hereditary breast ovarian cancer syndrome. Also called: Hereditary breast and/or ovarian cancer syndrome; Hereditary breast and ovarian cancer syndrome (HBOC); Breast and ovarian cancer; Hereditary breast and ovarian cancer syndrome; BRCA1- and BRCA2-Associated Hereditary Breast and Ovarian Cancer; Hereditary breast and ovarian cancer. Identifiers: Orphanet 145, MedGen C0677776, MeSH D061325, MONDO:0003582. Disease mechanism: loss of function.
Hereditary cancer-predisposing syndrome. Also called: Neoplastic Syndromes, Hereditary; Hereditary neoplastic syndrome; Tumor predisposition; Hereditary Cancer Syndrome. Identifiers: Orphanet 140162, MedGen C0027672, MeSH D009386, MONDO:0015356.
Breast-ovarian cancer, familial, susceptibility to, 2 (BROVCA2). Also called: BRCA2 Hereditary Breast and Ovarian Cancer. Identifiers: Orphanet 145, MedGen C2675520, MONDO:0012933, OMIM 612555. Disease mechanism: loss of function.

Allele frequency attached by ClinVar (database versions not stated): ExAC 0.00001.

Submissions (4):

Labcorp Genetics (formerly Invitae), Labcorp
Classification: Uncertain significance for Hereditary breast ovarian cancer syndrome. Last evaluated: 2025-05-27. Review status: criteria provided, single submitter. Criteria: Invitae Variant Classification Sherloc (09022015). Collection method: clinical testing. Allele origin: germline.
Comment: This sequence change replaces asparagine, which is neutral and polar, with aspartic acid, which is acidic and polar, at codon 986 of the BRCA2 protein (p.Asn986Asp). This variant is not present in population databases (gnomAD no frequency). This missense change has been observed in individual(s) with prostate cancer (PMID: 31214711). ClinVar contains an entry for this variant (Variation ID: 661211). Invitae Evidence Modeling of protein sequence and biophysical properties (such as structural, functional, and spatial information, amino acid conservation, physicochemical variation, residue mobility, and thermodynamic stability) indicates that this missense variant is not expected to disrupt BRCA2 protein function with a negative predictive value of 95%. In summary, the available evidence is currently insufficient to determine the role of this variant in disease. Therefore, it has been classified as a Variant of Uncertain Significance.

Ambry Genetics
Classification: Uncertain significance for Hereditary cancer-predisposing syndrome. Last evaluated: 2024-10-11. Review status: criteria provided, single submitter. Criteria: Ambry Variant Classification Scheme 2023. Collection method: clinical testing. Allele origin: germline.
Comment: The p.N986D variant (also known as c.2956A>G), located in coding exon 10 of the BRCA2 gene, results from an A to G substitution at nucleotide position 2956. The asparagine at codon 986 is replaced by aspartic acid, an amino acid with highly similar properties. This amino acid position is not well conserved in available vertebrate species. In addition, this alteration is predicted to be tolerated by in silico analysis. Based on the available evidence, the clinical significance of this variant remains unclear.

All of Us Research Program, National Institutes of Health
Classification: Uncertain significance for Breast-ovarian cancer, familial, susceptibility to, 2. Last evaluated: 2023-11-20. Review status: criteria provided, single submitter. Criteria: ACMG Guidelines, 2015. Collection method: clinical testing. Allele origin: germline. Inheritance: Autosomal dominant inheritance. Observed: 1 variant allele, 1 heterozygote.
Comment: This missense variant replaces asparagine with aspartic acid at codon 986 of the BRCA2 protein. Computational prediction suggests that this variant may not impact protein structure and function (internally defined REVEL score threshold <= 0.5, PMID: 27666373). To our knowledge, functional studies have not been reported for this variant. This variant has been reported in 1 individual affected with prostate cancer (PMID: 31214711). This variant has not been identified in the general population by the Genome Aggregation Database (gnomAD). The available evidence is insufficient to determine the role of this variant in disease conclusively. Therefore, this variant is classified as a Variant of Uncertain Significance.

This study involves interpretation of variants in research participants for the purpose of population health screening. Participant phenotype was not available at the time of variant classification. Additional details can be found in publication PMID: 35346344, PMCID: PMC8962531

University of Washington Department of Laboratory Medicine, University of Washington
Classification: Likely benign for Hereditary cancer-predisposing syndrome. Last evaluated: 2023-03-23. Review status: criteria provided, single submitter. Criteria: Dines et al. (Genet Med. 2020). Collection method: curation. Allele origin: germline.
Comment: Missense variant in a coldspot region where missense variants are very unlikely to be pathogenic (PMID:31911673).

BRCA2 exon 11 coldspot. Reclassification based on statistical prior probability.

Literature cited by the submitters: PubMed 31214711 (cited by Labcorp Genetics (formerly Invitae), Labcorp and All of Us Research Program, National Institutes of Health).